The following is an entry in ClinVar:

ClinVar aggregate classification (germline): Likely benign (1 of 4 stars; one submission).

Submission:

CeGaT Center for Human Genetics Tuebingen
Classification: Likely benign. Last evaluated: 2022-10-01. Review status: criteria provided, single submitter. Criteria: CeGaT Center For Human Genetics Tuebingen Variant Classification Criteria Version 2. Collection method: clinical testing. Allele origin: germline. Affected: yes. Observed: 1 variant allele.
Comment: PCLO: PM2:Supporting, BP4, BP7

NM_033026.6(PCLO):c.4038A>C (p.Ser1346=)

Gene: PCLO (piccolo presynaptic cytomatrix protein; minus strand). Cytogenetic location: 7q21.11.
Variant type: single nucleotide variant.
Coding change: c.4038A>C on transcript NM_033026.6 (MANE Select); coding-DNA position 4038, A replaced by C.
Protein change: p.Ser1346=; no amino-acid change (serine 1346 retained).
Molecular consequence: synonymous variant.
Genome position (GRCh38, 1-based): chr7:82,956,915, T>G on the plus strand (A>C on the coding strand, the complement: PCLO is on the minus strand). VCF-style: chr7-82956915-T-G. GRCh37 (hg19) VCF-style: chr7-82586231-T-G.
Other names: c.4038A>C, p.Ser1346= (NM_014510.3).
Identifiers: ClinVar variation 2657647 (VCV002657647.24), dbSNP rs780856017, ClinGen allele CA456341755.